The following is an entry in ClinVar:

ClinVar aggregate classification (germline): Benign. Review status: criteria provided, multiple submitters, no conflicts (2 of 4 stars). 8 submissions from 8 submitters: Benign (7). 1 of the submissions does not count toward it. Last evaluated 2026-01-28.

Conditions:
Goldberg-Shprintzen syndrome. Identifiers: Orphanet 66629, MedGen C1836123, MONDO:0012280, OMIM 609460.

Allele frequency attached by ClinVar (database versions not stated): 1000 Genomes Project 0.02676; 1000 Genomes Project 30x 0.02826; gnomAD 0.04900 and 0.04974; ExAC 0.04959; gnomAD exomes 0.05040 and 0.06431; TOPMed 0.05152; ESP Exome Variant Server 0.05428.
gnomAD v4.1: 101,573 of 1,612,732 alleles (6.3%); highest among the groups gnomAD compares: Middle Eastern, 12%; 3,627 homozygotes.

Submissions (8):

Labcorp Genetics (formerly Invitae), Labcorp
Classification: Benign. Last evaluated: 2026-01-28. Review status: criteria provided, single submitter. Criteria: Invitae Variant Classification Sherloc (09022015). Collection method: clinical testing. Allele origin: germline.

Athena Diagnostics
Classification: Benign. Last evaluated: 2018-05-07. Review status: criteria provided, single submitter. Criteria: Athena Diagnostics Criteria. Collection method: clinical testing. Allele origin: germline.

Illumina Laboratory Services, Illumina
Classification: Benign for Goldberg-Shprintzen syndrome. Last evaluated: 2018-01-13. Review status: criteria provided, single submitter. Criteria: ICSL Variant Classification Criteria 13 December 2019. Collection method: clinical testing. Allele origin: germline.
Comment: This variant was observed in the ICSL laboratory as part of a predisposition screen in an ostensibly healthy population. It had not been previously curated by ICSL or reported in the Human Gene Mutation Database (HGMD: prior to June 1st, 2018), and was therefore a candidate for classification through an automated scoring system. Utilizing variant allele frequency, disease prevalence and penetrance estimates, and inheritance mode, an automated score was calculated to assess if this variant is too frequent to cause the disease. Based on the score and internal cut-off values, a variant classified as benign is not then subjected to further curation. The score for this variant resulted in a classification of benign for this disease.

GeneDx
Classification: Benign. Last evaluated: 2016-02-23. Review status: criteria provided, single submitter. Criteria: GeneDx Variant Classification (06012015). Collection method: clinical testing. Allele origin: germline. Affected: yes.
Comment: This variant is considered likely benign or benign based on one or more of the following criteria: it is a conservative change, it occurs at a poorly conserved position in the protein, it is predicted to be benign by multiple in silico algorithms, and/or has population frequency not consistent with disease.

Clinical Genetics DNA and cytogenetics Diagnostics Lab, Erasmus MC, Erasmus Medical Center
Classification: Benign for Goldberg-Shprintzen syndrome. Last evaluated: 2015-09-21. Review status: criteria provided, single submitter. Criteria: ACGS Guidelines, 2013. Collection method: clinical testing. Allele origin: germline. Affected: yes. Study: VKGL Data-share Consensus.

Genetic Services Laboratory, University of Chicago
Classification: Benign. Last evaluated: 2013-02-08. Review status: criteria provided, single submitter. Criteria: ACMG Guidelines, 2007. Collection method: clinical testing. Allele origin: germline. Inheritance: Autosomal dominant inheritance.

PreventionGenetics, part of Exact Sciences
Classification: Benign. Review status: criteria provided, single submitter. Criteria: ACMG Guidelines, 2015. Collection method: clinical testing. Allele origin: germline.

Diagnostic Laboratory, Department of Genetics, University Medical Center Groningen
Classification: Benign for Goldberg-Shprintzen syndrome. Review status: no assertion criteria provided. Collection method: clinical testing. Allele origin: germline. Affected: yes. Study: VKGL Data-share Consensus. Not counted in ClinVar's aggregate classification.

NM_015634.4(KIFBP):c.1653C>T (p.Ala551=)

Gene: KIFBP (kinesin family binding protein; plus strand). Cytogenetic location: 10q22.1.
Variant type: single nucleotide variant.
Coding change: c.1653C>T on transcript NM_015634.4 (MANE Select); coding-DNA position 1653, C replaced by T.
Protein change: p.Ala551=; no amino-acid change (alanine 551 retained).
Molecular consequence: synonymous variant.
Genome position (GRCh38, 1-based): chr10:69,016,203, C>T. VCF-style: chr10-69016203-C-T. GRCh37 (hg19) VCF-style: chr10-70775959-C-T.
Identifiers: ClinVar variation 158694 (VCV000158694.19), dbSNP rs35893997, ClinGen allele CA172369.